The following is an entry in ClinVar:

ClinVar aggregate classification (germline): Uncertain significance. Review status: criteria provided, multiple submitters, no conflicts (2 of 4 stars). 2 submissions from 2 submitters: Uncertain significance (2). Last evaluated 2025-04-03.

Conditions:
Hereditary pulmonary alveolar proteinosis. Also called: Pulmonary surfactant metabolism dysfunction. Identifiers: Orphanet 264675, MedGen C3711368, MONDO:0012580.

Allele frequency attached by ClinVar (database versions not stated): gnomAD exomes 0.00001; gnomAD 0.00002; TOPMed 0.00002; ExAC 0.00001.
gnomAD v4.1: 26 of 1,613,914 alleles (0.0016%); highest among the groups gnomAD compares: South Asian, 0.0044%; no homozygotes.

Submissions (2):

Ambry Genetics
Classification: Uncertain significance for Hereditary pulmonary alveolar proteinosis. Last evaluated: 2025-04-03. Review status: criteria provided, single submitter. Criteria: Ambry Variant Classification Scheme 2023. Collection method: clinical testing. Allele origin: germline.

Labcorp Genetics (formerly Invitae), Labcorp
Classification: Uncertain significance. Last evaluated: 2022-03-18. Review status: criteria provided, single submitter. Criteria: Invitae Variant Classification Sherloc (09022015). Collection method: clinical testing. Allele origin: germline.
Comment: This sequence change replaces alanine, which is neutral and non-polar, with threonine, which is neutral and polar, at codon 348 of the ABCA3 protein (p.Ala348Thr). This variant is present in population databases (rs777482979, gnomAD 0.006%). This variant has not been reported in the literature in individuals affected with ABCA3-related conditions. Algorithms developed to predict the effect of missense changes on protein structure and function (SIFT, PolyPhen-2, Align-GVGD) all suggest that this variant is likely to be tolerated. In summary, the available evidence is currently insufficient to determine the role of this variant in disease. Therefore, it has been classified as a Variant of Uncertain Significance.

NM_001089.3(ABCA3):c.1042G>A (p.Ala348Thr)

Gene: ABCA3 (ATP binding cassette subfamily A member 3; minus strand). Cytogenetic location: 16p13.3.
Variant type: single nucleotide variant.
Coding change: c.1042G>A on transcript NM_001089.3 (MANE Select); coding-DNA position 1042, G replaced by A.
Protein change: p.Ala348Thr; replaces alanine 348 with threonine.
Molecular consequence: missense variant.
Genome position (GRCh38, 1-based): chr16:2,317,352, C>T on the plus strand (G>A on the coding strand, the complement: ABCA3 is on the minus strand). VCF-style: chr16-2317352-C-T. GRCh37 (hg19) VCF-style: chr16-2367353-C-T.
Other names: c.1042G>A (NM_001089.2); short protein forms A348T.
Identifiers: ClinVar variation 1498087 (VCV001498087.4), dbSNP rs777482979, ClinGen allele CA7841397.